The following is an entry in ClinVar:

ClinVar aggregate classification (germline): Uncertain significance. Review status: criteria provided, single submitter (1 of 4 stars). 2 submissions from 2 submitters: Uncertain significance (1). 1 of the submissions does not count toward it. Last evaluated 2022-07-06.

Conditions:
Leber congenital amaurosis (LCA). Also called: Leber's amaurosis. Identifiers: Orphanet 65, MedGen C0339527, MeSH D057130, MONDO:0018998.
Retinitis pigmentosa 12 (RP12). Also called: RP WITH OR WITHOUT PPRPE; RP WITH OR WITHOUT PRESERVED PARAARTERIOLE RETINAL PIGMENT EPITHELIUM; RETINITIS PIGMENTOSA WITH OR WITHOUT PARAARTERIOLAR PRESERVATION OF RETINAL PIGMENT EPITHELIUM. Identifiers: Orphanet 791, MedGen C1838647, MONDO:0010818, OMIM 600105.
Leber congenital amaurosis 8 (LCA8). Identifiers: Orphanet 65, MedGen C3151202, MONDO:0013453, OMIM 613835.

Submissions (2):

Labcorp Genetics (formerly Invitae), Labcorp
Classification: Uncertain significance for Leber congenital amaurosis 8; Retinitis pigmentosa 12. Last evaluated: 2022-07-06. Review status: criteria provided, single submitter. Criteria: Invitae Variant Classification Sherloc (09022015). Collection method: clinical testing. Allele origin: germline.
Comment: This sequence change replaces proline, which is neutral and non-polar, with leucine, which is neutral and non-polar, at codon 748 of the CRB1 protein (p.Pro748Leu). This variant is not present in population databases (gnomAD no frequency). This missense change has been observed in individual(s) with clinical features of inherited retinal disease (Invitae). ClinVar contains an entry for this variant (Variation ID: 852584). Advanced modeling of protein sequence and biophysical properties (such as structural, functional, and spatial information, amino acid conservation, physicochemical variation, residue mobility, and thermodynamic stability) performed at Invitae indicates that this missense variant is expected to disrupt CRB1 protein function. In summary, the available evidence is currently insufficient to determine the role of this variant in disease. Therefore, it has been classified as a Variant of Uncertain Significance.

Natera, Inc.
Classification: Uncertain significance for Leber congenital amaurosis. Last evaluated: 2020-09-30. Review status: no assertion criteria provided. Collection method: clinical testing. Allele origin: germline. Not counted in ClinVar's aggregate classification.

NM_201253.3(CRB1):c.2243C>T (p.Pro748Leu)

Gene: CRB1 (crumbs cell polarity complex component 1; plus strand). Cytogenetic location: 1q31.3.
Variant type: single nucleotide variant.
Coding change: c.2243C>T on transcript NM_201253.3 (MANE Select); coding-DNA position 2243, C replaced by T.
Protein change: p.Pro748Leu; replaces proline 748 with leucine.
Molecular consequence: missense variant. On other transcripts: non-coding transcript variant (2), intron variant (1).
Genome position (GRCh38, 1-based): chr1:197,427,568, C>T. VCF-style: chr1-197427568-C-T. GRCh37 (hg19) VCF-style: chr1-197396698-C-T.
Other names: c.1907C>T, p.Pro636Leu (NM_001193640.2); c.2036C>T, p.Pro679Leu (NM_001257965.2); c.2128+5612C>T (NM_001257966.2); short protein forms P748L, P636L, P679L.
Identifiers: ClinVar variation 852584 (VCV000852584.8), dbSNP rs1664651920, ClinGen allele CA344036787.